The following is an entry in ClinVar:

ClinVar aggregate classification (germline): Pathogenic (1 of 4 stars; one submission).

Conditions:
Curry-Hall syndrome (WAD). Also called: WEYERS ACRODENTAL DYSOSTOSIS. Identifiers: Orphanet 952, MedGen C0457013, MONDO:0008673, OMIM 193530.
Ellis-van Creveld syndrome (EVC). Also called: MESOECTODERMAL DYSPLASIA; EVC-Related Ellis-van Creveld Syndrome; EVC2-Related Ellis-van Creveld Syndrome; Chondroectodermal dysplasia. Identifiers: Orphanet 289, MedGen C0013903, MONDO:0009162, OMIM 225500.

Submission:

Labcorp Genetics (formerly Invitae), Labcorp
Classification: Pathogenic for Curry-Hall syndrome; Ellis-van Creveld syndrome. Last evaluated: 2022-08-09. Review status: criteria provided, single submitter. Criteria: Invitae Variant Classification Sherloc (09022015). Collection method: clinical testing. Allele origin: germline.
Comment: This variant is a gross deletion of the genomic region encompassing exon(s) 1-8 of the EVC gene, which includes the initiator codon. This deletion extends beyond the assayed region for this gene and therefore may encompass additional genes. It is expected to result in an absent or disrupted protein product. Loss-of-function variants in EVC are known to be pathogenic (PMID: 23220543). This variant has not been reported in the literature in individuals affected with EVC-related conditions. For these reasons, this variant has been classified as Pathogenic.

Literature cited by the submitters: PubMed 23220543.

NC_000004.11:g.(?_5710003)_(5750043_?)del

Genes: EVC (EvC ciliary complex subunit 1; plus strand), EVC2 (EvC ciliary complex subunit 2; minus strand). Cytogenetic location: 4p16.2.
Variant type: Deletion.
Identifiers: ClinVar variation 2427448 (VCV002427448.3).